The following is an entry in ClinVar:

ClinVar aggregate classification (germline): Likely benign. Review status: criteria provided, multiple submitters, no conflicts (2 of 4 stars). 2 submissions from 2 submitters: Likely benign (2). Last evaluated 2025-12-01.

Conditions:
Cardiovascular phenotype. Identifiers: MedGen CN230736.

Allele frequency attached by ClinVar (database versions not stated): gnomAD exomes 0.00001 and below 0.00001; TOPMed below 0.00001.

Submissions (2):

Ambry Genetics
Classification: Likely benign for Cardiovascular phenotype. Last evaluated: 2025-12-01. Review status: criteria provided, single submitter. Criteria: Ambry Variant Classification Scheme 2023. Collection method: clinical testing. Allele origin: germline.

GeneDx
Classification: Likely benign. Last evaluated: 2017-06-07. Review status: criteria provided, single submitter. Criteria: GeneDx Variant Classification (06012015). Collection method: clinical testing. Allele origin: germline. Affected: yes.
Comment: This variant is considered likely benign or benign based on one or more of the following criteria: it is a conservative change, it occurs at a poorly conserved position in the protein, it is predicted to be benign by multiple in silico algorithms, and/or has population frequency not consistent with disease.

NM_004387.4(NKX2-5):c.583C>A (p.Arg195=)

Gene: NKX2-5 (NK2 homeobox 5; minus strand). Cytogenetic location: 5q35.1.
Variant type: single nucleotide variant.
Coding change: c.583C>A on transcript NM_004387.4 (MANE Select); coding-DNA position 583, C replaced by A.
Protein change: p.Arg195=; no amino-acid change (arginine 195 retained).
Molecular consequence: synonymous variant. On other transcripts: 3 prime UTR variant (2).
Genome position (GRCh38, 1-based): chr5:173,232,961, G>T on the plus strand (C>A on the coding strand, the complement: NKX2-5 is on the minus strand). VCF-style: chr5-173232961-G-T. GRCh37 (hg19) VCF-style: chr5-172659964-G-T.
Other names: c.*536C>A (NM_001166175.2); c.*382C>A (NM_001166176.2).
Identifiers: ClinVar variation 509962 (VCV000509962.2), dbSNP rs960527591, ClinGen allele CA132259186.
Genomic context (GRCh38, chr5:173,232,961, plus strand): 5'-CAGGCGGCGGCGGCGGCGGGGGCAGCCCCACCAGCTCCAGAGTCTGGTCCTGCCGCTGCC[G>T]CTTGCACTTGTAGCGCCGGTTCTGGAACCAGATCTTGACCTGCGTGGACGTGAGTTTCAG-3'
Protein context (NP_004378.1, residues 185-205): WFQNRRYKCK[Arg195=]QRQDQTLELV